The following is an entry in ClinVar:

ClinVar aggregate classification (germline): Uncertain significance (3 of 4 stars; one submission).

Conditions:
Monogenic diabetes. Identifiers: Orphanet 183625, MedGen C3888631, MONDO:0015967.

gnomAD v4.1: 4 of 1,613,984 alleles (0.00025%); highest among the groups gnomAD compares: Non-Finnish European, 0.00034%; no homozygotes.

Submission:

ClinGen Monogenic Diabetes Variant Curation Expert Panel
Classification: Uncertain significance for Monogenic diabetes. Last evaluated: 2025-02-24. Review status: reviewed by expert panel. Criteria: ClinGen Diabetes ACMG Specifications HNF4A V2.0.0. Collection method: curation. Allele origin: germline. Inheritance: Autosomal dominant inheritance.
Comment: The c.1184T>C variant in the HNF4 homeobox A gene, HNF4A, causes an amino acid change of methionine to threonine at codon 395 (p.(Met395Thr)) of NM_175914.5. This variant has a REVEL score of 0.242, which is between the ClinGen MDEP thresholds for BP4 and PP3, predicting neither a damaging nor benign impact on HNF4A function. This variant has an incomputable gnomAD v2.1.1 Grpmax filtering allele frequency due to 1 copy in the European non-Finnish subpopulation and absent in any other subpopulation, thereby meeting the ClinGen MDEP threshold criteria for PM2_Supporting (ENF Popmax FAF <= 0.000003 and <= 2 copies in ENF and <=1 copy in any other subpopulation) (PM2_Supporting). This variant was identified in 3 unrelated individuals with non-autoimmune and non-absolute/near-absolute insulin-deficient diabetes; however, PS4_Moderate cannot be applied because this number is below the ClinGen MDEP threshold (internal lab contributors). In summary, c.1184T>C meets the criteria to be classified as a variant of uncertain significance for monogenic diabetes. ACMG/AMP criteria applied, as specified by the ClinGen MDEP (specification version 2.0.0, approved 10/11/2023): PM2_Supporting.

NM_175914.5(HNF4A):c.1184T>C (p.Met395Thr)

Gene: HNF4A (hepatocyte nuclear factor 4 alpha; plus strand). Cytogenetic location: 20q13.12.
Variant type: single nucleotide variant.
Coding change: c.1184T>C on transcript NM_175914.5 (MANE Select); coding-DNA position 1184, T replaced by C.
Protein change: p.Met395Thr; replaces methionine 395 with threonine.
Molecular consequence: missense variant.
Genome position (GRCh38, 1-based): chr20:44,428,455, T>C. VCF-style: chr20-44428455-T-C. GRCh37 (hg19) VCF-style: chr20-43057095-T-C.
Other names: NM_175914.5:c.1184T>C; c.1250T>C, p.Met417Thr (NM_000457.6, NM_178849.3); c.1184T>C, p.Met395Thr (NM_001030003.3); c.1229T>C, p.Met410Thr (NM_001258355.2); c.1175T>C, p.Met392Thr (NM_001287182.2, NM_001287183.2); short protein forms M392T, M395T, M410T, M417T.
Identifiers: ClinVar variation 3767148 (VCV003767148.1).